The following is an entry in ClinVar:

ClinVar aggregate classification (germline): Uncertain significance (1 of 4 stars; one submission).

Conditions:
RYR1-related disorder. Also called: RYR1-related condition; RYR1-related disorders. Identifiers: MedGen CN239331.

Submission:

Labcorp Genetics (formerly Invitae), Labcorp
Classification: Uncertain significance for RYR1-related disorder. Last evaluated: 2017-08-20. Review status: criteria provided, single submitter. Criteria: Invitae Variant Classification Sherloc (09022015). Collection method: clinical testing. Allele origin: germline.
Comment: This sequence change replaces methionine with isoleucine at codon 666 of the RYR1 protein (p.Met666Ile). The methionine residue is moderately conserved and there is a small physicochemical difference between methionine and isoleucine. In summary, the available evidence is currently insufficient to determine the role of this variant in disease. Therefore, it has been classified as a Variant of Uncertain Significance. Algorithms developed to predict the effect of missense changes on protein structure and function (SIFT, PolyPhen-2, Align-GVGD) all suggest that this variant is likely to be tolerated, but these predictions have not been confirmed by published functional studies and their clinical significance is uncertain. This variant has not been reported in the literature in individuals with RYR1-related disease. This variant is not present in population databases (ExAC no frequency).

NM_000540.3(RYR1):c.1998G>A (p.Met666Ile)

Gene: RYR1 (ryanodine receptor 1; plus strand). Cytogenetic location: 19q13.2.
Variant type: single nucleotide variant.
Coding change: c.1998G>A on transcript NM_000540.3 (MANE Select); coding-DNA position 1998, G replaced by A.
Protein change: p.Met666Ile; replaces methionine 666 with isoleucine.
Molecular consequence: missense variant.
Genome position (GRCh38, 1-based): chr19:38,458,123, G>A. VCF-style: chr19-38458123-G-A. GRCh37 (hg19) VCF-style: chr19-38948763-G-A.
Other names: c.1998G>A, p.Met666Ile (NM_001042723.2); short protein forms M666I.
Identifiers: ClinVar variation 544372 (VCV000544372.8), dbSNP rs1555769826, ClinGen allele CA405695936.
Genomic context (GRCh38, chr19:38,458,123, plus strand): 5'-CATCTTTGTGGGCCGAGCGGAAGGCACCACGCAGTACAGCAAATGGTACTTTGAGGTGAT[G>A]GTGGACGAGGTGACTCCATTTCTGACAGCTCAGGCCACCCACTTGCGGGTGGGCTGGGCC-3'
Protein context (NP_000531.2, residues 656-676): TQYSKWYFEV[Met666Ile]VDEVTPFLTA